The following is an entry in ClinVar:

NM_153717.3(EVC):c.1284dup (p.Phe429fs)

Gene: EVC (EvC ciliary complex subunit 1; plus strand). Cytogenetic location: 4p16.2.
Variant type: Duplication.
Coding change: c.1284dup on transcript NM_153717.3 (MANE Select); coding-DNA position 1284, one base duplicated (C; older notation c.1284dupC).
Protein change: p.Phe429fs; shifts the reading frame from phenylalanine 429.
Molecular consequence: frameshift variant.
Genome position (GRCh38, 1-based): chr4:5,753,021, C duplicated; the last of 2 consecutive C bases (chr4:5,753,020-5,753,021); duplicating either gives the same sequence. VCF-style (leftmost placement, unchanged base first): chr4-5753019-G-GC. GRCh37 (hg19) VCF-style: chr4-5754746-G-GC.
Other names: c.1284dup, p.Phe429fs (NM_001306090.2, NM_001306092.2); short protein forms F429fs.
Identifiers: ClinVar variation 5012135 (VCV005012135.1).
Genomic context (GRCh38, chr4:5,753,019, plus strand): 5'-GCTGGTGAGGGGAAGCTGTCCGGGCGGCAGAAGGAGGAGCTGCTCACGCAGCAGCACAAG[G>GC]CCTTCTGGCAGGAGGCAGAGCGCTTCAGCCGGGGTGAGCCGTGGGCATGGGTGCCGCCGT-3'

ClinVar aggregate classification (germline): Pathogenic (1 of 4 stars; one submission).

Conditions:
Ellis-van Creveld syndrome (EVC). Also called: MESOECTODERMAL DYSPLASIA; Chondroectodermal dysplasia. Identifiers: Orphanet 289, MedGen C0013903, MONDO:0009162, OMIM 225500.

Submission:

Myriad Genetics, Inc.
Classification: Pathogenic for Ellis-van Creveld syndrome. Last evaluated: 2023-09-27. Review status: criteria provided, single submitter. Criteria: Myriad Autosomal Dominant, Autosomal Recessive and X-Linked Classification Criteria (2023). Collection method: clinical testing. Allele origin: unknown.
Comment: NM_153717.2(EVC):c.1284dupC(F429Lfs*48) is expected to be pathogenic in the context of EVC-related Ellis-van Creveld syndrome. This variant is predicted to lead to an abnormal or absent protein product due to the creation of a premature termination codon in EVC, a gene where loss-of-function variants are known to be pathogenic. Please note: this variant was assessed in the context of healthy population screening.